The following is an entry in ClinVar:

ClinVar aggregate classification (germline): Uncertain significance (1 of 4 stars; one submission).

Conditions:
Hereditary cancer-predisposing syndrome. Also called: Neoplastic Syndromes, Hereditary; Tumor predisposition; Hereditary Cancer Syndrome; Hereditary neoplastic syndrome. Identifiers: Orphanet 140162, MedGen C0027672, MeSH D009386, MONDO:0015356.

Submission:

Ambry Genetics
Classification: Uncertain significance for Hereditary cancer-predisposing syndrome. Last evaluated: 2022-10-13. Review status: criteria provided, single submitter. Criteria: Ambry Variant Classification Scheme 2023. Collection method: clinical testing. Allele origin: germline.
Comment: The p.C298R variant (also known as c.892T>C), located in coding exon 7 of the SMARCB1 gene, results from a T to C substitution at nucleotide position 892. The cysteine at codon 298 is replaced by arginine, an amino acid with highly dissimilar properties. This amino acid position is highly conserved in available vertebrate species. In addition, this alteration is predicted to be deleterious by in silico analysis. Missense and in-frame variants in SMARCB1 are known to cause neurodevelopmental disorders; however, such associations with rhabdoid tumor predisposition syndrome are exceedingly rare (Kosho T et al. Am J Med Genet C Semin Med Genet. 2014 Sep;166C(3):262-75; Eaton KW et al. Pediatr Blood Cancer. 2011 Jan;56(1):7-15). Since supporting evidence is limited at this time, the clinical significance of this alteration remains unclear.

NM_003073.5(SMARCB1):c.892T>C (p.Cys298Arg)

Gene: SMARCB1 (SWI/SNF related BAF chromatin remodeling complex subunit B1; plus strand). Cytogenetic location: 22q11.23.
Variant type: single nucleotide variant.
Coding change: c.892T>C on transcript NM_003073.5 (MANE Select); coding-DNA position 892, T replaced by C.
Protein change: p.Cys298Arg; replaces cysteine 298 with arginine.
Molecular consequence: missense variant.
Genome position (GRCh38, 1-based): chr22:23,825,321, T>C. VCF-style: chr22-23825321-T-C. GRCh37 (hg19) VCF-style: chr22-24167508-T-C.
Other names: c.865T>C, p.Cys289Arg (NM_001007468.3); c.919T>C, p.Cys307Arg (NM_001317946.2); c.946T>C, p.Cys316Arg (NM_001362877.2); short protein forms C298R, C289R, C316R, C307R.
Identifiers: ClinVar variation 1765159 (VCV001765159.2), dbSNP rs2146026916, ClinGen allele CA410907353.
Genomic context (GRCh38, chr22:23,825,321, plus strand): 5'-CAGTTTGAGTGGGACATGTCAGAGAAGGAGAACTCACCAGAGAAGTTTGCCCTGAAGCTG[T>C]GCTCGGAGCTGGGGTTGGGCGGGGAGTTTGTCACCACCATCGCATACAGCATCCGGGGAC-3'
Protein context (NP_003064.2, residues 288-308): NSPEKFALKL[Cys298Arg]SELGLGGEFV